The following is an entry in ClinVar:

NM_001278512.2(AP3B2):c.604G>A (p.Val202Met)

Genes: AP3B2 (adaptor related protein complex 3 subunit beta 2; minus strand), CPEB1-AS1 (CPEB1 antisense RNA 1; plus strand). Cytogenetic location: 15q25.2.
Variant type: single nucleotide variant.
Coding change: c.604G>A on transcript NM_001278512.2 (MANE Select); coding-DNA position 604, G replaced by A.
Protein change: p.Val202Met; replaces valine 202 with methionine.
Molecular consequence: missense variant.
Genome position (GRCh38, 1-based): chr15:82,681,004, C>T on the plus strand (G>A on the coding strand, the complement: AP3B2 is on the minus strand). VCF-style: chr15-82681004-C-T. GRCh37 (hg19) VCF-style: chr15-83349756-C-T.
Other names: c.508G>A, p.Val170Met (NM_001278511.2); c.604G>A, p.Val202Met (NM_004644.5); c.604G>A (NM_004644.3); short protein forms V170M, V202M.
Identifiers: ClinVar variation 2418205 (VCV002418205.4), dbSNP rs1355292584, ClinGen allele CA393296136.

ClinVar aggregate classification (germline): Uncertain significance. Review status: criteria provided, multiple submitters, no conflicts (2 of 4 stars). 3 submissions from 3 submitters: Uncertain significance (3). Last evaluated 2025-04-09.

Conditions:
Inborn genetic diseases. Identifiers: MedGen C0950123, MeSH D030342.

Allele frequency attached by ClinVar (database versions not stated): gnomAD 0.00001; gnomAD exomes 0.00001; TOPMed 0.00001.

Submissions (3):

Ambry Genetics
Classification: Uncertain significance for Inborn genetic diseases. Last evaluated: 2025-04-09. Review status: criteria provided, single submitter. Criteria: Ambry Variant Classification Scheme 2023. Collection method: clinical testing. Allele origin: germline.

GeneDx
Classification: Uncertain significance. Last evaluated: 2025-01-19. Review status: criteria provided, single submitter. Criteria: GeneDx Variant Classification Process June 2021. Collection method: clinical testing. Allele origin: germline. Affected: yes.
Comment: Not observed at significant frequency in large population cohorts (gnomAD); In silico analysis indicates that this missense variant does not alter protein structure/function; Has not been previously published as pathogenic or benign to our knowledge

Labcorp Genetics (formerly Invitae), Labcorp
Classification: Uncertain significance. Last evaluated: 2022-08-23. Review status: criteria provided, single submitter. Criteria: Invitae Variant Classification Sherloc (09022015). Collection method: clinical testing. Allele origin: germline.
Comment: This sequence change replaces valine, which is neutral and non-polar, with methionine, which is neutral and non-polar, at codon 202 of the AP3B2 protein (p.Val202Met). This variant is present in population databases (no rsID available, gnomAD 0.0009%). This variant has not been reported in the literature in individuals affected with AP3B2-related conditions. Algorithms developed to predict the effect of missense changes on protein structure and function are either unavailable or do not agree on the potential impact of this missense change (SIFT: "Tolerated"; PolyPhen-2: "Probably Damaging"; Align-GVGD: "Class C0"). In summary, the available evidence is currently insufficient to determine the role of this variant in disease. Therefore, it has been classified as a Variant of Uncertain Significance.